The following is an entry in ClinVar:

NM_000660.7(TGFB1):c.749T>G (p.Ile250Ser)

Gene: TGFB1 (transforming growth factor beta 1; minus strand). Cytogenetic location: 19q13.2.
Variant type: single nucleotide variant.
Coding change: c.749T>G on transcript NM_000660.7 (MANE Select); coding-DNA position 749, T replaced by G.
Protein change: p.Ile250Ser; replaces isoleucine 250 with serine.
Molecular consequence: missense variant.
Genome position (GRCh38, 1-based): chr19:41,341,994, A>C on the plus strand (T>G on the coding strand, the complement: TGFB1 is on the minus strand). VCF-style: chr19-41341994-A-C. GRCh37 (hg19) VCF-style: chr19-41847899-A-C.
Other names: short protein forms I250S.
Identifiers: ClinVar variation 2048181 (VCV002048181.4), dbSNP rs757193903, ClinGen allele CA9459996.

ClinVar aggregate classification (germline): Uncertain significance (1 of 4 stars; one submission).

Allele frequency attached by ClinVar (database versions not stated): gnomAD exomes below 0.00001; gnomAD 0.00001; ExAC 0.00001.
gnomAD v4.1: 5 of 1,614,096 alleles (0.00031%); highest among the groups gnomAD compares: African/African-American, 0.0027%; no homozygotes.

Submission:

Labcorp Genetics (formerly Invitae), Labcorp
Classification: Uncertain significance. Last evaluated: 2025-12-09. Review status: criteria provided, single submitter. Criteria: Invitae Variant Classification Sherloc (09022015). Collection method: clinical testing. Allele origin: germline.
Comment: This sequence change replaces isoleucine, which is neutral and non-polar, with serine, which is neutral and polar, at codon 250 of the TGFB1 protein (p.Ile250Ser). This variant is present in population databases (rs757193903, gnomAD 0.004%). This variant has not been reported in the literature in individuals affected with TGFB1-related conditions. ClinVar contains an entry for this variant (Variation ID: 2048181). Invitae Evidence Modeling of protein sequence and biophysical properties (such as structural, functional, and spatial information, amino acid conservation, physicochemical variation, residue mobility, and thermodynamic stability) indicates that this missense variant is not expected to disrupt TGFB1 protein function with a negative predictive value of 80%. In summary, the available evidence is currently insufficient to determine the role of this variant in disease. Therefore, it has been classified as a Variant of Uncertain Significance.